The following is an entry in ClinVar:

NM_001386298.1(CIC):c.5350A>G (p.Lys1784Glu)

Gene: CIC (capicua transcriptional repressor; plus strand). Cytogenetic location: 19q13.2.
Variant type: single nucleotide variant.
Coding change: c.5350A>G on transcript NM_001386298.1 (MANE Select); coding-DNA position 5350, A replaced by G.
Protein change: p.Lys1784Glu; replaces lysine 1784 with glutamic acid.
Molecular consequence: missense variant.
Genome position (GRCh38, 1-based): chr19:42,291,391, A>G. VCF-style: chr19-42291391-A-G. GRCh37 (hg19) VCF-style: chr19-42795543-A-G.
Other names: c.2623A>G, p.Lys875Glu (NM_015125.5, NM_001379484.1, NM_001379485.1); c.5350A>G, p.Lys1784Glu (NM_001304815.2, NM_001379480.1, NM_001379482.1); short protein forms K1784E, K875E.
Identifiers: ClinVar variation 1694925 (VCV001694925.31), dbSNP rs2147273334, ClinGen allele CA406111653.

ClinVar aggregate classification (germline): Uncertain significance (1 of 4 stars; one submission).

Allele frequency attached by ClinVar (database versions not stated): gnomAD exomes below 0.00001.
gnomAD v4.1: 1 of 1,612,464 alleles (0.000062%); highest among the groups gnomAD compares: Middle Eastern, 0.017%; no homozygotes.

Submission:

CeGaT Center for Human Genetics Tuebingen
Classification: Uncertain significance. Last evaluated: 2022-06-01. Review status: criteria provided, single submitter. Criteria: CeGaT Center For Human Genetics Tuebingen Variant Classification Criteria Version 2. Collection method: clinical testing. Allele origin: germline. Affected: yes. Observed: 1 variant allele.
Comment: CIC: PM2, BP5